The following is an entry in ClinVar:

ClinVar aggregate classification (germline): Likely benign. Review status: criteria provided, single submitter (1 of 4 stars). 2 submissions from 2 submitters: Likely benign (1). 1 of the submissions does not count toward it. Last evaluated 2025-11-14.

Conditions:
LRRC56-related disorder. Also called: LRRC56-related condition.

Allele frequency attached by ClinVar (database versions not stated): 1000 Genomes Project 0.00120; 1000 Genomes Project 30x 0.00187; ESP Exome Variant Server 0.00100.

Submissions (2):

Labcorp Genetics (formerly Invitae), Labcorp
Classification: Likely benign. Last evaluated: 2025-11-14. Review status: criteria provided, single submitter. Criteria: Invitae Variant Classification Sherloc (09022015). Collection method: clinical testing. Allele origin: germline.

PreventionGenetics, part of Exact Sciences
Classification: Likely benign for LRRC56-related condition. Last evaluated: 2024-05-02. Review status: no assertion criteria provided. Collection method: clinical testing. Allele origin: germline. Not counted in ClinVar's aggregate classification.
Comment: This variant is classified as likely benign based on ACMG/AMP sequence variant interpretation guidelines (Richards et al. 2015 PMID: 25741868, with internal and published modifications).

NM_198075.4(LRRC56):c.191G>C (p.Arg64Pro)

Gene: LRRC56 (leucine rich repeat containing 56; plus strand). Cytogenetic location: 11p15.5.
Variant type: single nucleotide variant.
Coding change: c.191G>C on transcript NM_198075.4 (MANE Select); coding-DNA position 191, G replaced by C.
Protein change: p.Arg64Pro; replaces arginine 64 with proline.
Molecular consequence: missense variant.
Genome position (GRCh38, 1-based): chr11:541,550, G>C. VCF-style: chr11-541550-G-C. GRCh37 (hg19) VCF-style: chr11-541550-G-C.
Other names: c.191G>C (NM_198075.3); short protein forms R64P.
Identifiers: ClinVar variation 1657418 (VCV001657418.9), dbSNP rs143908864, ClinGen allele CA5779552.